The following is an entry in ClinVar:

NM_001379500.1(COL18A1):c.530A>T (p.Tyr177Phe)

Gene: COL18A1 (collagen type XVIII alpha 1 chain; plus strand). Cytogenetic location: 21q22.3.
Variant type: single nucleotide variant.
Coding change: c.530A>T on transcript NM_001379500.1 (MANE Select); coding-DNA position 530, A replaced by T.
Protein change: p.Tyr177Phe; replaces tyrosine 177 with phenylalanine.
Molecular consequence: missense variant.
Genome position (GRCh38, 1-based): chr21:45,468,665, A>T. VCF-style: chr21-45468665-A-T. GRCh37 (hg19) VCF-style: chr21-46888579-A-T.
Other names: c.1070A>T, p.Tyr357Phe (NM_030582.4); c.1775A>T, p.Tyr592Phe (NM_130444.3); short protein forms Y357F, Y592F, Y177F.
Identifiers: ClinVar variation 2132939 (VCV002132939.1), dbSNP rs779470945, ClinGen allele CA10065773.

ClinVar aggregate classification (germline): Uncertain significance (1 of 4 stars; one submission).

gnomAD v4.1: 2 of 1,613,782 alleles (0.00012%); highest among the groups gnomAD compares: Admixed American, 0.0017%; no homozygotes.

Submission:

Labcorp Genetics (formerly Invitae), Labcorp
Classification: Uncertain significance. Last evaluated: 2022-09-07. Review status: criteria provided, single submitter. Criteria: Invitae Variant Classification Sherloc (09022015). Collection method: clinical testing. Allele origin: germline.
Comment: This sequence change replaces tyrosine, which is neutral and polar, with phenylalanine, which is neutral and non-polar, at codon 177 of the COL18A1 protein (p.Tyr177Phe). This variant is present in population databases (rs779470945, gnomAD 0.004%). This variant has not been reported in the literature in individuals affected with COL18A1-related conditions. Experimental studies and prediction algorithms are not available or were not evaluated, and the functional significance of this variant is currently unknown. In summary, the available evidence is currently insufficient to determine the role of this variant in disease. Therefore, it has been classified as a Variant of Uncertain Significance.